The following is an entry in ClinVar:

ClinVar aggregate classification (germline): Uncertain significance. Review status: criteria provided, multiple submitters, no conflicts (2 of 4 stars). 3 submissions from 3 submitters: Uncertain significance (3). Last evaluated 2025-06-12.

Conditions:
Bardet-Biedl syndrome 12 (BBS12). Identifiers: Orphanet 110, MedGen C1859570, MONDO:0014440, OMIM 615989.
BBS12-related disorder. Also called: BBS12-related condition.
Bardet-Biedl syndrome (BBS). Identifiers: Orphanet 110, MedGen C0752166, MONDO:0015229.

Allele frequency attached by ClinVar (database versions not stated): gnomAD exomes 0.00001 and 0.00002; ExAC 0.00002; TOPMed 0.00002.

Submissions (3):

PreventionGenetics, part of Exact Sciences
Classification: Uncertain significance for BBS12-related condition. Last evaluated: 2025-06-12. Review status: criteria provided, single submitter. Criteria: ACMG Guidelines, 2015. Collection method: clinical testing. Allele origin: germline.
Comment: The BBS12 c.166C>T variant is predicted to result in the amino acid substitution p.Leu56Phe. To our knowledge, this variant has not been reported in the literature. This variant is reported in 0.0092% of alleles in individuals of European (Finnish) descent in gnomAD. At this time, the clinical significance of this variant is uncertain due to the absence of conclusive functional and genetic evidence.

Fulgent Genetics
Classification: Uncertain significance for Bardet-Biedl syndrome 12. Last evaluated: 2022-03-18. Review status: criteria provided, single submitter. Criteria: ACMG Guidelines, 2015. Collection method: clinical testing. Allele origin: unknown.

Labcorp Genetics (formerly Invitae), Labcorp
Classification: Uncertain significance for Bardet-Biedl syndrome. Last evaluated: 2021-09-01. Review status: criteria provided, single submitter. Criteria: Invitae Variant Classification Sherloc (09022015). Collection method: clinical testing. Allele origin: germline.
Comment: This sequence change replaces leucine with phenylalanine at codon 56 of the BBS12 protein (p.Leu56Phe). The leucine residue is highly conserved and there is a small physicochemical difference between leucine and phenylalanine. This variant is present in population databases (rs751515113, ExAC 0.02%). This variant has not been reported in the literature in individuals affected with BBS12-related conditions. Algorithms developed to predict the effect of missense changes on protein structure and function are either unavailable or do not agree on the potential impact of this missense change (SIFT: "Deleterious"; PolyPhen-2: "Probably Damaging"; Align-GVGD: "Class C0"). Algorithms developed to predict the effect of sequence changes on RNA splicing suggest that this variant may create or strengthen a splice site. In summary, the available evidence is currently insufficient to determine the role of this variant in disease. Therefore, it has been classified as a Variant of Uncertain Significance.

NM_152618.3(BBS12):c.166C>T (p.Leu56Phe)

Gene: BBS12 (Bardet-Biedl syndrome 12; plus strand). Cytogenetic location: 4q27.
Variant type: single nucleotide variant.
Coding change: c.166C>T on transcript NM_152618.3 (MANE Select); coding-DNA position 166, C replaced by T.
Protein change: p.Leu56Phe; replaces leucine 56 with phenylalanine.
Molecular consequence: missense variant.
Genome position (GRCh38, 1-based): chr4:122,742,058, C>T. VCF-style: chr4-122742058-C-T. GRCh37 (hg19) VCF-style: chr4-123663213-C-T.
Other names: c.166C>T, p.Leu56Phe (NM_001178007.2); c.166C>T (NM_152618.2); short protein forms L56F.
Identifiers: ClinVar variation 1408984 (VCV001408984.7), dbSNP rs751515113, ClinGen allele CA3069252.